The following is an entry in ClinVar:

NM_006231.4(POLE):c.1411A>G (p.Met471Val)

Gene: POLE (DNA polymerase epsilon, catalytic subunit; minus strand). Cytogenetic location: 12q24.33.
Variant type: single nucleotide variant.
Coding change: c.1411A>G on transcript NM_006231.4 (MANE Select); coding-DNA position 1411, A replaced by G.
Protein change: p.Met471Val; replaces methionine 471 with valine.
Molecular consequence: missense variant.
Genome position (GRCh38, 1-based): chr12:132,673,226, T>C on the plus strand (A>G on the coding strand, the complement: POLE is on the minus strand). VCF-style: chr12-132673226-T-C. GRCh37 (hg19) VCF-style: chr12-133249812-T-C.
Other names: short protein forms M471V.
Identifiers: ClinVar variation 484462 (VCV000484462.23), dbSNP rs749021187, ClinGen allele CA6893964.

ClinVar aggregate classification (germline): Uncertain significance. Review status: criteria provided, multiple submitters, no conflicts (2 of 4 stars). 5 submissions from 5 submitters: Uncertain significance (5). Last evaluated 2026-01-13.

Conditions:
Colorectal cancer, susceptibility to, 12 (CRCS12). Also called: COLORECTAL CANCER, SUSCEPTIBILITY TO, ON CHROMOSOME 12q24. Identifiers: Orphanet 220460, MedGen C3554460, MONDO:0014038, OMIM 615083.
Hereditary cancer-predisposing syndrome. Also called: Neoplastic Syndromes, Hereditary; Tumor predisposition; Hereditary Cancer Syndrome; Hereditary neoplastic syndrome. Identifiers: Orphanet 140162, MedGen C0027672, MeSH D009386, MONDO:0015356.

Allele frequency attached by ClinVar (database versions not stated): TOPMed 0.00002; gnomAD 0.00003 and 0.00004.
gnomAD v4.1: 20 of 1,613,822 alleles (0.0012%); highest among the groups gnomAD compares: African/African-American, 0.0093%; no homozygotes.

Submissions (5):

Labcorp Genetics (formerly Invitae), Labcorp
Classification: Uncertain significance. Last evaluated: 2026-01-13. Review status: criteria provided, single submitter. Criteria: Invitae Variant Classification Sherloc (09022015). Collection method: clinical testing. Allele origin: germline.
Comment: This sequence change replaces methionine, which is neutral and non-polar, with valine, which is neutral and non-polar, at codon 471 of the POLE protein (p.Met471Val). This variant is present in population databases (rs749021187, gnomAD 0.01%). This variant has not been reported in the literature in individuals affected with POLE-related conditions. ClinVar contains an entry for this variant (Variation ID: 484462). Invitae Evidence Modeling of protein sequence and biophysical properties (such as structural, functional, and spatial information, amino acid conservation, physicochemical variation, residue mobility, and thermodynamic stability) indicates that this missense variant is expected to disrupt POLE protein function with a positive predictive value of 80%. In summary, the available evidence is currently insufficient to determine the role of this variant in disease. Therefore, it has been classified as a Variant of Uncertain Significance.

Ambry Genetics
Classification: Uncertain significance for Hereditary cancer-predisposing syndrome. Last evaluated: 2025-10-03. Review status: criteria provided, single submitter. Criteria: Ambry Variant Classification Scheme 2023. Collection method: clinical testing. Allele origin: germline.
Comment: The p.M471V variant (also known as c.1411A>G), located in coding exon 14 of the POLE gene, results from an A to G substitution at nucleotide position 1411. The methionine at codon 471 is replaced by valine, an amino acid with highly similar properties. This amino acid position is highly conserved in available vertebrate species. In addition, the in silico prediction for this alteration is inconclusive. Based on the available evidence, the clinical significance of this variant remains unclear.

Baylor Genetics
Classification: Uncertain significance for Colorectal cancer, susceptibility to, 12. Last evaluated: 2023-11-18. Review status: criteria provided, single submitter. Criteria: ACMG Guidelines, 2015. Collection method: clinical testing. Allele origin: unknown.

GeneDx
Classification: Uncertain significance. Last evaluated: 2023-09-08. Review status: criteria provided, single submitter. Criteria: GeneDx Variant Classification Process June 2021. Collection method: clinical testing. Allele origin: germline. Affected: yes.
Comment: Not observed at significant frequency in large population cohorts (gnomAD); In silico analysis supports that this missense variant has a deleterious effect on protein structure/function; Has not been previously published as pathogenic or benign to our knowledge; This variant is associated with the following publications: (PMID: 20951805, 37268062)

Sema4
Classification: Uncertain significance for Hereditary cancer-predisposing syndrome. Last evaluated: 2021-07-22. Review status: criteria provided, single submitter. Criteria: Sema4 Curation Guidelines. Collection method: curation. Allele origin: germline.
Comment: To the best of our knowledge, the POLE c.1411A>G (p.M471V) variant has not been reported in individuals with POLE-related disease. It was observed in 3/24964 chromosomes of the African/African American subpopulation in the large and broad cohorts of the Genome Aggregation Database. The variant has been reported in ClinVar (Variation ID: 484462). Functional studies have not been performed and in silico predictions of the variant's effect on protein function are inconclusive. The evidence is insufficient to meet ACMG/AMP criteria for classifying the variant as benign or pathogenic. Thus, the clinical significance of this variant is currently uncertain.